The following is an entry in ClinVar:

NM_000059.4(BRCA2):c.3859A>C (p.Asn1287His)

Gene: BRCA2 (BRCA2 DNA repair associated; plus strand). Cytogenetic location: 13q13.1.
Variant type: single nucleotide variant.
Coding change: c.3859A>C on transcript NM_000059.4 (MANE Select); coding-DNA position 3859, A replaced by C.
Protein change: p.Asn1287His; replaces asparagine 1287 with histidine.
Molecular consequence: missense variant.
Genome position (GRCh38, 1-based): chr13:32,338,214, A>C. VCF-style: chr13-32338214-A-C. GRCh37 (hg19) VCF-style: chr13-32912351-A-C.
Other names: short protein forms N1287H.
Identifiers: ClinVar variation 576589 (VCV000576589.11), dbSNP rs1566229283, ClinGen allele CA387778651.

ClinVar aggregate classification (germline): Conflicting classifications of pathogenicity. Review status: criteria provided, conflicting classifications (1 of 4 stars). 3 submissions from 3 submitters: Uncertain significance (2); Likely benign (1). Last evaluated 2024-05-12.

Conditions:
Hereditary breast ovarian cancer syndrome. Also called: Hereditary breast and ovarian cancer; Breast and ovarian cancer; Hereditary breast and ovarian cancer syndrome; BRCA1- and BRCA2-Associated Hereditary Breast and Ovarian Cancer; Hereditary breast and/or ovarian cancer syndrome; Hereditary breast and ovarian cancer syndrome (HBOC). Identifiers: Orphanet 145, MedGen C0677776, MeSH D061325, MONDO:0003582. Disease mechanism: loss of function.
Hereditary cancer-predisposing syndrome. Also called: Tumor predisposition; Hereditary neoplastic syndrome; Hereditary Cancer Syndrome; Neoplastic Syndromes, Hereditary. Identifiers: Orphanet 140162, MedGen C0027672, MeSH D009386, MONDO:0015356.

Submissions (3):

Ambry Genetics
Classification: Uncertain significance for Hereditary cancer-predisposing syndrome. Last evaluated: 2024-05-12. Review status: criteria provided, single submitter. Criteria: Ambry Variant Classification Scheme 2023. Collection method: clinical testing. Allele origin: germline.
Comment: The p.N1287H variant (also known as c.3859A>C), located in coding exon 10 of the BRCA2 gene, results from an A to C substitution at nucleotide position 3859. The asparagine at codon 1287 is replaced by histidine, an amino acid with similar properties. This amino acid position is conserved. In addition, this alteration is predicted to be tolerated by in silico analysis. Based on the available evidence, the clinical significance of this variant remains unclear.

University of Washington Department of Laboratory Medicine, University of Washington
Classification: Likely benign for Hereditary cancer-predisposing syndrome. Last evaluated: 2023-03-23. Review status: criteria provided, single submitter. Criteria: Dines et al. (Genet Med. 2020). Collection method: curation. Allele origin: germline.
Comment: Missense variant in a coldspot region where missense variants are very unlikely to be pathogenic (PMID:31911673).

BRCA2 exon 11 coldspot. Reclassification based on statistical prior probability.

Labcorp Genetics (formerly Invitae), Labcorp
Classification: Uncertain significance for Hereditary breast ovarian cancer syndrome. Last evaluated: 2022-02-20. Review status: criteria provided, single submitter. Criteria: Invitae Variant Classification Sherloc (09022015). Collection method: clinical testing. Allele origin: germline.
Comment: This sequence change replaces asparagine, which is neutral and polar, with histidine, which is basic and polar, at codon 1287 of the BRCA2 protein (p.Asn1287His). In summary, the available evidence is currently insufficient to determine the role of this variant in disease. Therefore, it has been classified as a Variant of Uncertain Significance. Advanced modeling of protein sequence and biophysical properties (such as structural, functional, and spatial information, amino acid conservation, physicochemical variation, residue mobility, and thermodynamic stability) performed at Invitae indicates that this missense variant is not expected to disrupt BRCA2 protein function. ClinVar contains an entry for this variant (Variation ID: 576589). This variant has not been reported in the literature in individuals affected with BRCA2-related conditions. This variant is not present in population databases (gnomAD no frequency).